The following is an entry in ClinVar:

NM_020937.4(FANCM):c.4742T>C (p.Ile1581Thr)

Gene: FANCM (FA complementation group M; plus strand). Cytogenetic location: 14q21.2.
Variant type: single nucleotide variant.
Coding change: c.4742T>C on transcript NM_020937.4 (MANE Select); coding-DNA position 4742, T replaced by C.
Protein change: p.Ile1581Thr; replaces isoleucine 1581 with threonine.
Molecular consequence: missense variant.
Genome position (GRCh38, 1-based): chr14:45,187,850, T>C. VCF-style: chr14-45187850-T-C. GRCh37 (hg19) VCF-style: chr14-45657053-T-C.
Other names: c.4664T>C, p.Ile1555Thr (NM_001308133.2); short protein forms I1581T, I1555T.
Identifiers: ClinVar variation 3848787 (VCV003848787.1).
Genomic context (GRCh38, chr14:45,187,850, plus strand): 5'-TGAGAGCTATTTACATGAAATCTTTGCGTAGTCCAATGATGAACAATAAGTACAAAATGA[T>C]TCATAAGACACATAAAAACATAAACATTTTCTCGCAGGTATGAACTATAGAAATATAATG-3'
Protein context (NP_065988.1, residues 1571-1591): SPMMNNKYKM[Ile1581Thr]HKTHKNINIF

ClinVar aggregate classification (germline): Uncertain significance (1 of 4 stars; one submission).

Conditions:
Inborn genetic diseases. Identifiers: MedGen C0950123, MeSH D030342.

Submission:

Ambry Genetics
Classification: Uncertain significance for Inborn genetic diseases. Last evaluated: 2025-03-05. Review status: criteria provided, single submitter. Criteria: Ambry Variant Classification Scheme 2023. Collection method: clinical testing. Allele origin: germline.
Comment: The p.I1581T variant (also known as c.4742T>C), located in coding exon 19 of the FANCM gene, results from a T to C substitution at nucleotide position 4742. The isoleucine at codon 1581 is replaced by threonine, an amino acid with similar properties. This amino acid position is conserved. In addition, this alteration is predicted to be tolerated by in silico analysis. Based on the available evidence, the clinical significance of this variant remains unclear.